The following is an entry in ClinVar:

ClinVar aggregate classification (germline): Uncertain significance. Review status: criteria provided, multiple submitters, no conflicts (2 of 4 stars). 2 submissions from 2 submitters: Uncertain significance (2). Last evaluated 2025-11-25.

Conditions:
Hereditary cancer-predisposing syndrome. Also called: Neoplastic Syndromes, Hereditary; Tumor predisposition; Hereditary Cancer Syndrome; Hereditary neoplastic syndrome. Identifiers: Orphanet 140162, MedGen C0027672, MeSH D009386, MONDO:0015356.
Hereditary nonpolyposis colorectal neoplasms. Identifiers: MedGen C0009405, MeSH D003123.

Submissions (2):

Ambry Genetics
Classification: Uncertain significance for Hereditary cancer-predisposing syndrome. Last evaluated: 2025-11-25. Review status: criteria provided, single submitter. Criteria: Ambry Variant Classification Scheme 2023. Collection method: clinical testing. Allele origin: germline.
Comment: The p.Q342R variant (also known as c.1025A>G), located in coding exon 10 of the PMS2 gene, results from an A to G substitution at nucleotide position 1025. The glutamine at codon 342 is replaced by arginine, an amino acid with highly similar properties. This amino acid position is conserved. In addition, this alteration is predicted to be deleterious by in silico analysis. Based on the available evidence, the clinical significance of this variant remains unclear.

Labcorp Genetics (formerly Invitae), Labcorp
Classification: Uncertain significance for Hereditary nonpolyposis colorectal neoplasms. Last evaluated: 2017-11-22. Review status: criteria provided, single submitter. Criteria: Invitae Variant Classification Sherloc (09022015). Collection method: clinical testing. Allele origin: germline.
Comment: In summary, the available evidence is currently insufficient to determine the role of this variant in disease. Therefore, it has been classified as a Variant of Uncertain Significance. Algorithms developed to predict the effect of missense changes on protein structure and function do not agree on the potential impact of this missense change (SIFT: "Tolerated"; PolyPhen-2: "Probably Damaging"; Align-GVGD: "Class C0"). This variant has not been reported in the literature in individuals with PMS2-related disease. This variant is not present in population databases (ExAC no frequency). This sequence change replaces glutamine with arginine at codon 342 of the PMS2 protein (p.Gln342Arg). The glutamine residue is moderately conserved and there is a small physicochemical difference between glutamine and arginine.

NM_000535.7(PMS2):c.1025A>G (p.Gln342Arg)

Gene: PMS2 (PMS1 homolog 2, mismatch repair system component; minus strand). Cytogenetic location: 7p22.1.
Variant type: single nucleotide variant.
Coding change: c.1025A>G on transcript NM_000535.7 (MANE Select); coding-DNA position 1025, A replaced by G.
Protein change: p.Gln342Arg; replaces glutamine 342 with arginine.
Molecular consequence: missense variant. On other transcripts: non-coding transcript variant (1), intron variant (2).
Genome position (GRCh38, 1-based): chr7:5,989,919, T>C on the plus strand (A>G on the coding strand, the complement: PMS2 is on the minus strand). VCF-style: chr7-5989919-T-C. GRCh37 (hg19) VCF-style: chr7-6029550-T-C.
Other names: c.620A>G, p.Gln207Arg (NM_001322003.2, NM_001322004.2, NM_001322005.2 and 1 more transcripts); c.707A>G, p.Gln236Arg (NM_001322007.2, NM_001322008.2); c.92A>G, p.Gln31Arg (NM_001322011.2, NM_001322012.2); c.452A>G, p.Gln151Arg (NM_001322013.2); c.1025A>G, p.Gln342Arg (NM_001322014.2); c.716A>G, p.Gln239Arg (NM_001322015.2); c.583+2054A>G (NM_001322010.2); c.988+2054A>G (NM_001322006.2); short protein forms Q342R, Q207R, Q239R, Q151R, Q31R, Q236R.
Identifiers: ClinVar variation 525708 (VCV000525708.9), dbSNP rs1554298797, ClinGen allele CA366742962.